The following is an entry in ClinVar:

ClinVar aggregate classification (germline): Uncertain significance (1 of 4 stars; one submission).

Submission:

Labcorp Genetics (formerly Invitae), Labcorp
Classification: Uncertain significance. Last evaluated: 2025-05-25. Review status: criteria provided, single submitter. Criteria: Invitae Variant Classification Sherloc (09022015). Collection method: clinical testing. Allele origin: germline.
Comment: This sequence change replaces glutamine, which is neutral and polar, with histidine, which is basic and polar, at codon 381 of the KLHL9 protein (p.Gln381His). This variant is not present in population databases (gnomAD no frequency). This variant has not been reported in the literature in individuals affected with KLHL9-related conditions. Invitae Evidence Modeling of protein sequence and biophysical properties (such as structural, functional, and spatial information, amino acid conservation, physicochemical variation, residue mobility, and thermodynamic stability) indicates that this missense variant is not expected to disrupt KLHL9 protein function with a negative predictive value of 80%. In summary, the available evidence is currently insufficient to determine the role of this variant in disease. Therefore, it has been classified as a Variant of Uncertain Significance.

NM_018847.4(KLHL9):c.1143G>T (p.Gln381His)

Gene: KLHL9 (kelch like family member 9; minus strand). Cytogenetic location: 9p21.3.
Variant type: single nucleotide variant.
Coding change: c.1143G>T on transcript NM_018847.4 (MANE Select); coding-DNA position 1143, G replaced by T.
Protein change: p.Gln381His; replaces glutamine 381 with histidine.
Molecular consequence: missense variant.
Genome position (GRCh38, 1-based): chr9:21,333,717, C>A on the plus strand (G>T on the coding strand, the complement: KLHL9 is on the minus strand). VCF-style: chr9-21333717-C-A. GRCh37 (hg19) VCF-style: chr9-21333716-C-A.
Other names: short protein forms Q381H.
Identifiers: ClinVar variation 4746479 (VCV004746479.1).